The following is an entry in ClinVar:

ClinVar aggregate classification (germline): Uncertain significance (1 of 4 stars; one submission).

Conditions:
Familial melanoma. Also called: Hereditary melanoma; Hereditary cutaneous melanoma. Identifiers: Orphanet 618, MedGen C1512419, MONDO:0018961.

Submission:

Labcorp Genetics (formerly Invitae), Labcorp
Classification: Uncertain significance for Familial melanoma. Last evaluated: 2024-11-07. Review status: criteria provided, single submitter. Criteria: Invitae Variant Classification Sherloc (09022015). Collection method: clinical testing. Allele origin: germline.
Comment: This sequence change replaces histidine, which is basic and polar, with tyrosine, which is neutral and polar, at codon 27 of the CDK4 protein (p.His27Tyr). This variant is not present in population databases (gnomAD no frequency). This variant has not been reported in the literature in individuals affected with CDK4-related conditions. Invitae Evidence Modeling of protein sequence and biophysical properties (such as structural, functional, and spatial information, amino acid conservation, physicochemical variation, residue mobility, and thermodynamic stability) indicates that this missense variant is not expected to disrupt CDK4 protein function with a negative predictive value of 95%. In summary, the available evidence is currently insufficient to determine the role of this variant in disease. Therefore, it has been classified as a Variant of Uncertain Significance.

NM_000075.4(CDK4):c.79C>T (p.His27Tyr)

Gene: CDK4 (cyclin dependent kinase 4; minus strand). Cytogenetic location: 12q14.1.
Variant type: single nucleotide variant.
Coding change: c.79C>T on transcript NM_000075.4 (MANE Select); coding-DNA position 79, C replaced by T.
Protein change: p.His27Tyr; replaces histidine 27 with tyrosine.
Molecular consequence: missense variant.
Genome position (GRCh38, 1-based): chr12:57,751,639, G>A on the plus strand (C>T on the coding strand, the complement: CDK4 is on the minus strand). VCF-style: chr12-57751639-G-A. GRCh37 (hg19) VCF-style: chr12-58145422-G-A.
Other names: short protein forms H27Y.
Identifiers: ClinVar variation 3604565 (VCV003604565.2).